The following is an entry in ClinVar:

NM_001105206.3(LAMA4):c.195+5A>C

Genes: LAMA4 (laminin subunit alpha 4; minus strand), LAMA4-AS1 (LAMA4 antisense RNA 1; plus strand). Cytogenetic location: 6q21.
Variant type: single nucleotide variant.
Coding change: c.195+5A>C on transcript NM_001105206.3 (MANE Select); 5 bases into the intron after coding-DNA position 195, A replaced by C.
Molecular consequence: intron variant. On other transcripts: missense variant (2).
Genome position (GRCh38, 1-based): chr6:112,253,951, T>G on the plus strand (A>C on the coding strand, the complement: LAMA4 is on the minus strand). VCF-style: chr6-112253951-T-G. GRCh37 (hg19) VCF-style: chr6-112575153-T-G.
Other names: c.200A>C, p.Gln67Pro (NM_001105208.3, NM_001105209.3); c.195+5A>C (NM_002290.5, NM_001105207.3); short protein forms Q67P.
Identifiers: ClinVar variation 948041 (VCV000948041.1), dbSNP rs781999461, ClinGen allele CA365518641.

ClinVar aggregate classification (germline): Uncertain significance (1 of 4 stars; one submission).

Conditions:
Dilated cardiomyopathy 1JJ (CMD1JJ). Identifiers: Orphanet 154, MedGen C3808935, MONDO:0014095, OMIM 615235.

gnomAD v4.1: 5 of 1,600,920 alleles (0.00031%); highest among the groups gnomAD compares: South Asian, 0.0056%; no homozygotes.

Submission:

Labcorp Genetics (formerly Invitae), Labcorp
Classification: Uncertain significance for Dilated cardiomyopathy 1JJ. Last evaluated: 2019-04-23. Review status: criteria provided, single submitter. Criteria: Invitae Variant Classification Sherloc (09022015). Collection method: clinical testing. Allele origin: germline.
Comment: This sequence change falls in intron 2 of the LAMA4 gene. It does not directly change the encoded amino acid sequence of the LAMA4 protein, but it affects a nucleotide within the consensus splice site of the intron. This variant is not present in population databases (ExAC no frequency). This variant has not been reported in the literature in individuals with LAMA4-related conditions. Nucleotide substitutions within the consensus splice site are a relatively common cause of aberrant splicing (PMID: 17576681, 9536098). Algorithms developed to predict the effect of sequence changes on RNA splicing suggest that this variant is not likely to affect RNA splicing, but this prediction has not been confirmed by published transcriptional studies. In summary, the available evidence is currently insufficient to determine the role of this variant in disease. Therefore, it has been classified as a Variant of Uncertain Significance.